The following is an entry in ClinVar:

ClinVar aggregate classification (germline): Likely benign (1 of 4 stars; one submission).

Conditions:
HK1-related disorder. Also called: HK1-related condition; HK1-related disorders.

gnomAD v4.1: 108 of 1,608,460 alleles (0.0067%); highest among the groups gnomAD compares: East Asian, 0.21%; no homozygotes.

Submission:

PreventionGenetics, part of Exact Sciences
Classification: Likely benign for HK1-related condition. Last evaluated: 2025-01-15. Review status: criteria provided, single submitter. Criteria: ACMG Guidelines, 2015. Collection method: clinical testing. Allele origin: germline.
Comment: This variant is classified as likely benign based on ACMG/AMP sequence variant interpretation guidelines (Richards et al. 2015 PMID: 25741868, with internal and published modifications).

NM_001358263.1(HK1):c.75+5147G>A

Gene: HK1 (hexokinase 1; plus strand). Cytogenetic location: 10q22.1.
Variant type: single nucleotide variant.
Coding change: c.75+5147G>A on transcript NM_001358263.1 (MANE Plus Clinical); 5147 bases into the intron after coding-DNA position 75, G replaced by A.
Molecular consequence: intron variant. On other transcripts: 5 prime UTR variant (1).
Genome position (GRCh38, 1-based): chr10:69,300,827, G>A. VCF-style: chr10-69300827-G-A. GRCh37 (hg19) VCF-style: chr10-71060583-G-A.
Other names: c.-8G>A (NM_033500.2); c.168+5147G>A (NM_001322365.2); c.75+5147G>A (NM_033498.3, NM_033497.3, NM_001322364.2).
Identifiers: ClinVar variation 4978672 (VCV004978672.1).